The following is an entry in ClinVar:

NM_005560.6(LAMA5):c.3217C>T (p.Arg1073Trp)

Gene: LAMA5 (laminin subunit alpha 5; minus strand). Cytogenetic location: 20q13.33.
Variant type: single nucleotide variant.
Coding change: c.3217C>T on transcript NM_005560.6 (MANE Select); coding-DNA position 3217, C replaced by T.
Protein change: p.Arg1073Trp; replaces arginine 1073 with tryptophan.
Molecular consequence: missense variant.
Genome position (GRCh38, 1-based): chr20:62,333,155, G>A on the plus strand (C>T on the coding strand, the complement: LAMA5 is on the minus strand). VCF-style: chr20-62333155-G-A. GRCh37 (hg19) VCF-style: chr20-60908211-G-A.
Other names: short protein forms R1073W.
Identifiers: ClinVar variation 5023477 (VCV005023477.1).

ClinVar aggregate classification (germline): Uncertain significance (1 of 4 stars; one submission).

Conditions:
Inborn genetic diseases. Identifiers: MedGen C0950123, MeSH D030342.

gnomAD v4.1: 9 of 1,513,124 alleles (0.00059%); highest among the groups gnomAD compares: East Asian, 0.0046%; no homozygotes.

Submission:

Ambry Genetics
Classification: Uncertain significance for Inborn genetic diseases. Last evaluated: 2026-07-29. Review status: criteria provided, single submitter. Criteria: Ambry Variant Classification Scheme 2023. Collection method: clinical testing. Allele origin: germline.
Comment: The c.3217C>T (p.R1073W) alteration is located in exon 26 (coding exon 26) of the LAMA5 gene. This alteration results from a C to T substitution at nucleotide position 3217, causing the arginine (R) at amino acid position 1073 to be replaced by a tryptophan (W). Based on data from gnomAD, the T allele has an overall frequency of 0.001% (1/160828) total alleles studied. The highest observed frequency was 0.001% (1/76424) of European (non-Finnish) alleles. Based on insufficient or conflicting evidence, the clinical significance of this alteration remains unclear.